The following is an entry in ClinVar:

ClinVar aggregate classification (germline): Uncertain significance (1 of 4 stars; one submission).

Conditions:
Multiple congenital exostosis (EXT). Also called: Hereditary multiple exostoses; Hereditary multiple exostosis; Multiple osteochondromas; MULTIPLE CARTILAGINOUS EXOSTOSES; Multiple exostoses; Hereditary multiple osteochondromas. Identifiers: Orphanet 321, MedGen C0015306, MONDO:0005508, HP:0002762.

Allele frequency attached by ClinVar (database versions not stated): gnomAD exomes below 0.00001.
gnomAD v4.1: 1 of 1,613,128 alleles (0.000062%); highest among the groups gnomAD compares: Non-Finnish European, 0.000085%; no homozygotes.

Submission:

Labcorp Genetics (formerly Invitae), Labcorp
Classification: Uncertain significance for Multiple congenital exostosis. Last evaluated: 2023-01-18. Review status: criteria provided, single submitter. Criteria: Invitae Variant Classification Sherloc (09022015). Collection method: clinical testing. Allele origin: germline.
Comment: Advanced modeling of protein sequence and biophysical properties (such as structural, functional, and spatial information, amino acid conservation, physicochemical variation, residue mobility, and thermodynamic stability) performed at Invitae indicates that this missense variant is not expected to disrupt EXT1 protein function. In summary, the available evidence is currently insufficient to determine the role of this variant in disease. Therefore, it has been classified as a Variant of Uncertain Significance. This variant has not been reported in the literature in individuals affected with EXT1-related conditions. This variant is present in population databases (no rsID available, gnomAD 0.0009%). This sequence change replaces histidine, which is basic and polar, with aspartic acid, which is acidic and polar, at codon 437 of the EXT1 protein (p.His437Asp).

NM_000127.3(EXT1):c.1309C>G (p.His437Asp)

Gene: EXT1 (exostosin glycosyltransferase 1; minus strand). Cytogenetic location: 8q24.11.
Variant type: single nucleotide variant.
Coding change: c.1309C>G on transcript NM_000127.3 (MANE Select); coding-DNA position 1309, C replaced by G.
Protein change: p.His437Asp; replaces histidine 437 with aspartic acid.
Molecular consequence: missense variant.
Genome position (GRCh38, 1-based): chr8:117,822,573, G>C on the plus strand (C>G on the coding strand, the complement: EXT1 is on the minus strand). VCF-style: chr8-117822573-G-C. GRCh37 (hg19) VCF-style: chr8-118834812-G-C.
Other names: short protein forms H437D.
Identifiers: ClinVar variation 2917852 (VCV002917852.3), dbSNP rs1277354611, ClinGen allele CA371888079.